The following is an entry in ClinVar:

ClinVar aggregate classification (germline): Uncertain significance (1 of 4 stars; one submission).

Submission:

Labcorp Genetics (formerly Invitae), Labcorp
Classification: Uncertain significance. Last evaluated: 2025-08-18. Review status: criteria provided, single submitter. Criteria: Invitae Variant Classification Sherloc (09022015). Collection method: clinical testing. Allele origin: germline.
Comment: This sequence change replaces valine, which is neutral and non-polar, with leucine, which is neutral and non-polar, at codon 533 of the POLE protein (p.Val533Leu). This variant is not present in population databases (gnomAD no frequency). This variant has not been reported in the literature in individuals affected with POLE-related conditions. Invitae Evidence Modeling of protein sequence and biophysical properties (such as structural, functional, and spatial information, amino acid conservation, physicochemical variation, residue mobility, and thermodynamic stability) indicates that this missense variant is not expected to disrupt POLE protein function with a negative predictive value of 80%. In summary, the available evidence is currently insufficient to determine the role of this variant in disease. Therefore, it has been classified as a Variant of Uncertain Significance.

NM_006231.4(POLE):c.1597G>T (p.Val533Leu)

Gene: POLE (DNA polymerase epsilon, catalytic subunit; minus strand). Cytogenetic location: 12q24.33.
Variant type: single nucleotide variant.
Coding change: c.1597G>T on transcript NM_006231.4 (MANE Select); coding-DNA position 1597, G replaced by T.
Protein change: p.Val533Leu; replaces valine 533 with leucine.
Molecular consequence: missense variant.
Genome position (GRCh38, 1-based): chr12:132,672,716, C>A on the plus strand (G>T on the coding strand, the complement: POLE is on the minus strand). VCF-style: chr12-132672716-C-A. GRCh37 (hg19) VCF-style: chr12-133249302-C-A.
Other names: short protein forms V533L.
Identifiers: ClinVar variation 4703369 (VCV004703369.1).